The following is an entry in ClinVar:

NM_005732.4(RAD50):c.2809A>T (p.Asn937Tyr)

Gene: RAD50 (RAD50 double strand break repair protein; plus strand). Cytogenetic location: 5q31.1.
Variant type: single nucleotide variant.
Coding change: c.2809A>T on transcript NM_005732.4 (MANE Select); coding-DNA position 2809, A replaced by T.
Protein change: p.Asn937Tyr; replaces asparagine 937 with tyrosine.
Molecular consequence: missense variant.
Genome position (GRCh38, 1-based): chr5:132,608,705, A>T. VCF-style: chr5-132608705-A-T. GRCh37 (hg19) VCF-style: chr5-131944397-A-T.
Other names: short protein forms N937Y.
Identifiers: ClinVar variation 582039 (VCV000582039.10), dbSNP rs1561647145, ClinGen allele CA360959134.

ClinVar aggregate classification (germline): Uncertain significance. Review status: criteria provided, multiple submitters, no conflicts (2 of 4 stars). 2 submissions from 2 submitters: Uncertain significance (2). Last evaluated 2025-01-19.

Conditions:
Hereditary cancer-predisposing syndrome. Also called: Neoplastic Syndromes, Hereditary; Hereditary Cancer Syndrome; Tumor predisposition; Hereditary neoplastic syndrome. Identifiers: Orphanet 140162, MedGen C0027672, MeSH D009386, MONDO:0015356.

Allele frequency attached by ClinVar (database versions not stated): gnomAD exomes below 0.00001.
gnomAD v4.1: 3 of 1,589,046 alleles (0.00019%); highest among the groups gnomAD compares: Non-Finnish European, 0.00026%; no homozygotes.

Submissions (2):

Ambry Genetics
Classification: Uncertain significance for Hereditary cancer-predisposing syndrome. Last evaluated: 2025-01-19. Review status: criteria provided, single submitter. Criteria: Ambry Variant Classification Scheme 2023. Collection method: clinical testing. Allele origin: germline.
Comment: The p.N937Y variant (also known as c.2809A>T), located in coding exon 17 of the RAD50 gene, results from an A to T substitution at nucleotide position 2809. The asparagine at codon 937 is replaced by tyrosine, an amino acid with dissimilar properties. This amino acid position is not well conserved in available vertebrate species. In addition, this alteration is predicted to be tolerated by in silico analysis. Since supporting evidence is limited at this time, the clinical significance of this alteration remains unclear.

Labcorp Genetics (formerly Invitae), Labcorp
Classification: Uncertain significance for Hereditary cancer-predisposing syndrome. Last evaluated: 2023-07-26. Review status: criteria provided, single submitter. Criteria: Invitae Variant Classification Sherloc (09022015). Collection method: clinical testing. Allele origin: germline.
Comment: In summary, the available evidence is currently insufficient to determine the role of this variant in disease. Therefore, it has been classified as a Variant of Uncertain Significance. This sequence change replaces asparagine, which is neutral and polar, with tyrosine, which is neutral and polar, at codon 937 of the RAD50 protein (p.Asn937Tyr). This variant is not present in population databases (gnomAD no frequency). This variant has not been reported in the literature in individuals affected with RAD50-related conditions. ClinVar contains an entry for this variant (Variation ID: 582039). Advanced modeling of protein sequence and biophysical properties (such as structural, functional, and spatial information, amino acid conservation, physicochemical variation, residue mobility, and thermodynamic stability) performed at Invitae indicates that this missense variant is not expected to disrupt RAD50 protein function.